The following is an entry in ClinVar:

NM_030662.4(MAP2K2):c.450+307C>A

Gene: MAP2K2 (mitogen-activated protein kinase kinase 2; minus strand). Cytogenetic location: 19p13.3.
Variant type: single nucleotide variant.
Coding change: c.450+307C>A on transcript NM_030662.4 (MANE Select); 307 bases into the intron after coding-DNA position 450, C replaced by A.
Molecular consequence: intron variant.
Genome position (GRCh38, 1-based): chr19:4,110,202, G>T on the plus strand (C>A on the coding strand, the complement: MAP2K2 is on the minus strand). VCF-style: chr19-4110202-G-T. GRCh37 (hg19) VCF-style: chr19-4110200-G-T.
Identifiers: ClinVar variation 561879 (VCV000561879.1), dbSNP rs62132103, ClinGen allele CA304453719.
Genomic context (GRCh38, chr19:4,110,202, plus strand): 5'-AAAAATACAAAAATTAGCCAGGAGTGGTGGCGGGCGCCTGTAATCCCAGCTACTCGGGAG[G>T]CTGAGTCAGAAGTATCACTTGAATCTGGGAGGTGGAGGTTGCAGTGAGCCGAGATTGTGC-3'

ClinVar aggregate classification (germline): Likely benign (1 of 4 stars; one submission).

Allele frequency attached by ClinVar (database versions not stated): 1000 Genomes Project 0.00319; 1000 Genomes Project 30x 0.00375; TOPMed 0.00722; gnomAD 0.00769 and 0.00790.
gnomAD v4.1: 1,169 of 152,220 alleles (0.77%); highest among the groups gnomAD compares: Middle Eastern, 1.4%; 10 homozygotes.

Submission:

GeneDx
Classification: Likely benign. Last evaluated: 2018-06-14. Review status: criteria provided, single submitter. Criteria: GeneDx Variant Classification (06012015). Collection method: clinical testing. Allele origin: germline. Affected: yes.
Comment: This variant is considered likely benign or benign based on one or more of the following criteria: it is a conservative change, it occurs at a poorly conserved position in the protein, it is predicted to be benign by multiple in silico algorithms, and/or has population frequency not consistent with disease.